The following is an entry in ClinVar:

NM_032217.5(ANKRD17):c.412G>C (p.Asp138His)

Gene: ANKRD17 (ankyrin repeat domain 17; minus strand). Cytogenetic location: 4q13.3.
Variant type: single nucleotide variant.
Coding change: c.412G>C on transcript NM_032217.5 (MANE Select); coding-DNA position 412, G replaced by C.
Protein change: p.Asp138His; replaces aspartic acid 138 with histidine.
Molecular consequence: missense variant.
Genome position (GRCh38, 1-based): chr4:73,177,515, C>G on the plus strand (G>C on the coding strand, the complement: ANKRD17 is on the minus strand). VCF-style: chr4-73177515-C-G. GRCh37 (hg19) VCF-style: chr4-74043232-C-G.
Other names: c.73G>C, p.Asp25His (NM_001286771.3); c.412G>C, p.Asp138His (NM_015574.2, NM_198889.3); short protein forms D138H, D25H.
Identifiers: ClinVar variation 2630429 (VCV002630429.1), dbSNP rs2531599218, ClinGen allele CA357209793.

ClinVar aggregate classification (germline): Uncertain significance (1 of 4 stars; one submission).

Conditions:
ANKRD17-related disorder. Also called: ANKRD17-related condition.

Submission:

PreventionGenetics, part of Exact Sciences
Classification: Uncertain significance for ANKRD17-related condition. Last evaluated: 2023-03-06. Review status: criteria provided, single submitter. Criteria: ACMG Guidelines, 2015. Collection method: clinical testing. Allele origin: germline.
Comment: The ANKRD17 c.412G>C variant is predicted to result in the amino acid substitution p.Asp138His. To our knowledge, this variant has not been reported in the literature or in a large population database, indicating this variant is rare. At this time, the clinical significance of this variant is uncertain due to the absence of conclusive functional and genetic evidence.